The following is an entry in ClinVar:

NM_005529.7(HSPG2):c.11705G>A (p.Arg3902Gln)

Gene: HSPG2 (heparan sulfate proteoglycan 2; minus strand). Cytogenetic location: 1p36.12.
Variant type: single nucleotide variant.
Coding change: c.11705G>A on transcript NM_005529.7 (MANE Select); coding-DNA position 11705, G replaced by A.
Protein change: p.Arg3902Gln; replaces arginine 3902 with glutamine.
Molecular consequence: missense variant.
Genome position (GRCh38, 1-based): chr1:21,830,058, C>T on the plus strand (G>A on the coding strand, the complement: HSPG2 is on the minus strand). VCF-style: chr1-21830058-C-T. GRCh37 (hg19) VCF-style: chr1-22156551-C-T.
Other names: c.11708G>A, p.Arg3903Gln (NM_001291860.2); short protein forms R3903Q, R3902Q.
Identifiers: ClinVar variation 2068838 (VCV002068838.3), dbSNP rs375127656, ClinGen allele CA669664.

ClinVar aggregate classification (germline): Uncertain significance (1 of 4 stars; one submission).

Allele frequency attached by ClinVar (database versions not stated): ExAC 0.00002; TOPMed 0.00003; gnomAD 0.00005; ESP Exome Variant Server 0.00015.
gnomAD v4.1: 68 of 1,604,280 alleles (0.0042%); highest among the groups gnomAD compares: African/African-American, 0.012%; no homozygotes.

Submission:

Labcorp Genetics (formerly Invitae), Labcorp
Classification: Uncertain significance. Last evaluated: 2022-07-01. Review status: criteria provided, single submitter. Criteria: Invitae Variant Classification Sherloc (09022015). Collection method: clinical testing. Allele origin: germline.
Comment: This sequence change replaces arginine, which is basic and polar, with glutamine, which is neutral and polar, at codon 3902 of the HSPG2 protein (p.Arg3902Gln). The frequency data for this variant in the population databases is considered unreliable, as metrics indicate poor data quality at this position in the gnomAD database. This variant has not been reported in the literature in individuals affected with HSPG2-related conditions. Algorithms developed to predict the effect of missense changes on protein structure and function are either unavailable or do not agree on the potential impact of this missense change (SIFT: "Tolerated"; PolyPhen-2: "Probably Damaging"; Align-GVGD: "Class C0"). In summary, the available evidence is currently insufficient to determine the role of this variant in disease. Therefore, it has been classified as a Variant of Uncertain Significance.